The following is an entry in ClinVar:

NM_133510.4(RAD51B):c.480T>G (p.Phe160Leu)

Gene: RAD51B (RAD51 paralog B; plus strand). Cytogenetic location: 14q24.1.
Variant type: single nucleotide variant.
Coding change: c.480T>G on transcript NM_133510.4 (MANE Select); coding-DNA position 480, T replaced by G.
Protein change: p.Phe160Leu; replaces phenylalanine 160 with leucine.
Molecular consequence: missense variant.
Genome position (GRCh38, 1-based): chr14:67,885,896, T>G. VCF-style: chr14-67885896-T-G. GRCh37 (hg19) VCF-style: chr14-68352613-T-G.
Other names: c.480T>G, p.Phe160Leu (NM_001321814.2, NM_001321818.2, NM_001321819.1 and 6 more transcripts); c.366T>G, p.Phe122Leu (NM_001321815.1); c.123T>G, p.Phe41Leu (NM_001321817.2); short protein forms F122L, F41L, F160L.
Identifiers: ClinVar variation 3942318 (VCV003942318.1).

ClinVar aggregate classification (germline): Uncertain significance (1 of 4 stars; one submission).

Submission:

Ambry Genetics
Classification: Uncertain significance. Last evaluated: 2025-05-16. Review status: criteria provided, single submitter. Criteria: Ambry Variant Classification Scheme 2023. Collection method: clinical testing. Allele origin: germline.
Comment: The p.F160L variant (also known as c.480T>G), located in coding exon 5 of the RAD51B gene, results from a T to G substitution at nucleotide position 480. The phenylalanine at codon 160 is replaced by leucine, an amino acid with highly similar properties. This amino acid position is highly conserved in available vertebrate species. In addition, the in silico prediction for this alteration is inconclusive. The evidence for this gene-disease relationship is limited; therefore, the clinical significance of this alteration is unclear.